The following is an entry in ClinVar:

NM_012448.4(STAT5B):c.802C>T (p.Pro268Ser)

Gene: STAT5B (signal transducer and activator of transcription 5B; minus strand). Cytogenetic location: 17q21.2.
Variant type: single nucleotide variant.
Coding change: c.802C>T on transcript NM_012448.4 (MANE Select); coding-DNA position 802, C replaced by T.
Protein change: p.Pro268Ser; replaces proline 268 with serine.
Molecular consequence: missense variant.
Genome position (GRCh38, 1-based): chr17:42,219,343, G>A on the plus strand (C>T on the coding strand, the complement: STAT5B is on the minus strand). VCF-style: chr17-42219343-G-A. GRCh37 (hg19) VCF-style: chr17-40371361-G-A.
Other names: short protein forms P268S.
Identifiers: ClinVar variation 2691552 (VCV002691552.1), dbSNP rs1441773574, ClinGen allele CA399587392.
Genomic context (GRCh38, chr17:42,219,343, plus strand): 5'-CCTGCCCGCTGGCCGCCCCACACCATTACCAGGACTGTAGCACGTCCAGGCTGCCCTCGG[G>A]GGGCCCGCCGTTCCCGGCCAGCTGCTGCCGCCGCTTCCACTGGATCAGCTCGTCATCCAG-3'
Protein context (NP_036580.2, residues 258-278): RQQLAGNGGP[Pro268Ser]EGSLDVLQSW

ClinVar aggregate classification (germline): Uncertain significance (1 of 4 stars; one submission).

Allele frequency attached by ClinVar (database versions not stated): gnomAD 0.00002; TOPMed 0.00002.

Submission:

Women's Health and Genetics/Laboratory Corporation of America, LabCorp
Classification: Uncertain significance. Last evaluated: 2023-12-08. Review status: criteria provided, single submitter. Criteria: LabCorp Variant Classification Summary - May 2015. Collection method: clinical testing. Allele origin: germline.
Comment: Variant summary: STAT5B c.802C>T (p.Pro268Ser) results in a non-conservative amino acid change located in the STAT transcription factor, all-alpha domain (IPR013800) of the encoded protein sequence. Three of five in-silico tools predict a benign effect of the variant on protein function. The variant was absent in 65412 control chromosomes. The available data on variant occurrences in the general population are insufficient to allow any conclusion about variant significance. To our knowledge, no occurrence of c.802C>T in individuals affected with Growth Hormone Insensitivity Syndrome With Immune Dysregulation 2, Autosomal Dominant and no experimental evidence demonstrating its impact on protein function have been reported. No submitters have cited clinical-significance assessments for this variant to ClinVar after 2014. Based on the evidence outlined above, the variant was classified as uncertain significance.